The following is an entry in ClinVar:

ClinVar aggregate classification (germline): Uncertain significance (1 of 4 stars; one submission).

Allele frequency attached by ClinVar (database versions not stated): 1000 Genomes Project 30x 0.00016; 1000 Genomes Project 0.00020.
gnomAD v4.1: 10 of 1,610,822 alleles (0.00062%); highest among the groups gnomAD compares: African/African-American, 0.013%; no homozygotes.

Submission:

Labcorp Genetics (formerly Invitae), Labcorp
Classification: Uncertain significance. Last evaluated: 2025-10-24. Review status: criteria provided, single submitter. Criteria: Invitae Variant Classification Sherloc (09022015). Collection method: clinical testing. Allele origin: germline.
Comment: This sequence change replaces valine, which is neutral and non-polar, with leucine, which is neutral and non-polar, at codon 298 of the RHOBTB2 protein (p.Val298Leu). This variant is present in population databases (rs551660992, gnomAD 0.03%). This variant has not been reported in the literature in individuals affected with RHOBTB2-related conditions. ClinVar contains an entry for this variant (Variation ID: 1984372). Invitae Evidence Modeling of protein sequence and biophysical properties (such as structural, functional, and spatial information, amino acid conservation, physicochemical variation, residue mobility, and thermodynamic stability) indicates that this missense variant is not expected to disrupt RHOBTB2 protein function with a negative predictive value of 80%. In summary, the available evidence is currently insufficient to determine the role of this variant in disease. Therefore, it has been classified as a Variant of Uncertain Significance.

NM_015178.3(RHOBTB2):c.826G>C (p.Val276Leu)

Gene: RHOBTB2 (Rho related BTB domain containing 2; plus strand). Cytogenetic location: 8p21.3.
Variant type: single nucleotide variant.
Coding change: c.826G>C on transcript NM_015178.3 (MANE Select); coding-DNA position 826, G replaced by C.
Protein change: p.Val276Leu; replaces valine 276 with leucine.
Molecular consequence: missense variant.
Genome position (GRCh38, 1-based): chr8:23,007,071, G>C. VCF-style: chr8-23007071-G-C. GRCh37 (hg19) VCF-style: chr8-22864584-G-C.
Other names: c.892G>C, p.Val298Leu (NM_001160036.2); c.847G>C, p.Val283Leu (NM_001160037.2); c.826G>C, p.Val276Leu (NM_001374791.1); short protein forms V298L, V283L, V276L.
Identifiers: ClinVar variation 1984372 (VCV001984372.4), dbSNP rs551660992, ClinGen allele CA4672550.